The following is an entry in ClinVar:

ClinVar aggregate classification (germline): Likely benign. Review status: criteria provided, multiple submitters, no conflicts (2 of 4 stars). 2 submissions from 2 submitters: Likely benign (2). Last evaluated 2025-05-08.

Conditions:
Tuberous sclerosis 2 (TSC2). Identifiers: Orphanet 805, MedGen C1860707, MONDO:0013199, OMIM 613254.

gnomAD v4.1: 1 of 1,613,876 alleles (0.000062%); highest among the groups gnomAD compares: Non-Finnish European, 0.000085%; no homozygotes.

Submissions (2):

Myriad Genetics, Inc.
Classification: Likely benign for Tuberous sclerosis 2. Last evaluated: 2025-05-08. Review status: criteria provided, single submitter. Criteria: Myriad Autosomal Dominant, Autosomal Recessive and X-Linked Classification Criteria (2023). Collection method: clinical testing. Allele origin: unknown.
Comment: This variant is considered likely benign. This variant is intronic and is not expected to impact mRNA splicing.

Labcorp Genetics (formerly Invitae), Labcorp
Classification: Likely benign for Tuberous sclerosis 2. Last evaluated: 2023-05-20. Review status: criteria provided, single submitter. Criteria: Invitae Variant Classification Sherloc (09022015). Collection method: clinical testing. Allele origin: germline.

NM_000548.5(TSC2):c.648+10T>C

Gene: TSC2 (TSC complex subunit 2; plus strand). Cytogenetic location: 16p13.3.
Variant type: single nucleotide variant.
Coding change: c.648+10T>C on transcript NM_000548.5 (MANE Select); 10 bases into the intron after coding-DNA position 648, T replaced by C.
Molecular consequence: intron variant.
Genome position (GRCh38, 1-based): chr16:2,056,254, T>C. VCF-style: chr16-2056254-T-C. GRCh37 (hg19) VCF-style: chr16-2106255-T-C.
Other names: c.648+10T>C (NM_001114382.3, NM_021055.3, NM_001370405.1 and 3 more transcripts); c.537+10T>C (NM_001318827.2); c.48+10T>C (NM_001318831.2); c.501+10T>C (NM_001318829.2); c.681+10T>C (NM_001318832.2).
Identifiers: ClinVar variation 1083170 (VCV001083170.10), dbSNP rs2151071693, ClinGen allele CA2499223271.